The following is an entry in ClinVar:

NM_014780.5(CUL7):c.4794G>A (p.Lys1598=)

Gene: CUL7 (cullin 7; minus strand). Cytogenetic location: 6p21.1.
Variant type: single nucleotide variant.
Coding change: c.4794G>A on transcript NM_014780.5 (MANE Select); coding-DNA position 4794, G replaced by A.
Protein change: p.Lys1598=; no amino-acid change (lysine 1598 retained).
Molecular consequence: synonymous variant.
Genome position (GRCh38, 1-based): chr6:43,037,991, C>T on the plus strand (G>A on the coding strand, the complement: CUL7 is on the minus strand). VCF-style: chr6-43037991-C-T. GRCh37 (hg19) VCF-style: chr6-43005729-C-T.
Other names: c.4890G>A, p.Lys1630= (NM_001168370.2, NM_001374872.1); c.4806G>A, p.Lys1602= (NM_001374873.1); c.4791G>A, p.Lys1597= (NM_001374874.1).
Identifiers: ClinVar variation 356818 (VCV000356818.16), dbSNP rs61437700, ClinGen allele CA3813102.

ClinVar aggregate classification (germline): Benign. Review status: criteria provided, multiple submitters, no conflicts (2 of 4 stars). 3 submissions from 3 submitters: Benign (3). Last evaluated 2026-05-11.

Conditions:
3M syndrome 1. Also called: 3-M Syndrome, CUL7-Related. Identifiers: Orphanet 2616, MedGen C2678312, MONDO:0010117, OMIM 273750.

Allele frequency attached by ClinVar (database versions not stated): gnomAD exomes 0.00737; ExAC 0.00947; 1000 Genomes Project 30x 0.02873; gnomAD 0.02584 and 0.02397; TOPMed 0.02817; 1000 Genomes Project 0.02835; ESP Exome Variant Server 0.02738.
gnomAD v4.1: 7,658 of 1,593,906 alleles (0.48%); highest among the groups gnomAD compares: African/African-American, 8.4%; 281 homozygotes.

Submissions (3):

Women's Health and Genetics/Laboratory Corporation of America, LabCorp
Classification: Benign. Last evaluated: 2026-05-11. Review status: criteria provided, single submitter. Criteria: LabCorp Variant Classification Summary - May 2015. Collection method: clinical testing. Allele origin: germline.

Labcorp Genetics (formerly Invitae), Labcorp
Classification: Benign. Last evaluated: 2026-02-04. Review status: criteria provided, single submitter. Criteria: Invitae Variant Classification Sherloc (09022015). Collection method: clinical testing. Allele origin: germline.

Illumina Laboratory Services, Illumina
Classification: Benign for 3M syndrome 1. Last evaluated: 2018-01-12. Review status: criteria provided, single submitter. Criteria: ICSL Variant Classification Criteria 13 December 2019. Collection method: clinical testing. Allele origin: germline.
Comment: This variant was observed in the ICSL laboratory as part of a predisposition screen in an ostensibly healthy population. It had not been previously curated by ICSL or reported in the Human Gene Mutation Database (HGMD: prior to June 1st, 2018), and was therefore a candidate for classification through an automated scoring system. Utilizing variant allele frequency, disease prevalence and penetrance estimates, and inheritance mode, an automated score was calculated to assess if this variant is too frequent to cause the disease. Based on the score and internal cut-off values, a variant classified as benign is not then subjected to further curation. The score for this variant resulted in a classification of benign for this disease.